The following is an entry in ClinVar:

NM_004208.4(AIFM1):c.1553A>G (p.Lys518Arg)

Genes: AIFM1 (apoptosis inducing factor mitochondria associated 1; minus strand), RAB33A (RAB33A, member RAS oncogene family; plus strand). Cytogenetic location: Xq26.1.
Variant type: single nucleotide variant.
Coding change: c.1553A>G on transcript NM_004208.4 (MANE Select); coding-DNA position 1553, A replaced by G.
Protein change: p.Lys518Arg; replaces lysine 518 with arginine.
Molecular consequence: missense variant. On other transcripts: 3 prime UTR variant (1), non-coding transcript variant (1).
Genome position (GRCh38, 1-based): chrX:130,131,695, T>C on the plus strand (A>G on the coding strand, the complement: AIFM1 is on the minus strand). VCF-style: chrX-130131695-T-C. GRCh37 (hg19) VCF-style: chrX-129265670-T-C.
Other names: c.536A>G, p.Lys179Arg (NM_001130846.4); c.*781A>G (NM_001130847.4); c.1541A>G, p.Lys514Arg (NM_145812.3); short protein forms K514R, K518R, K179R.
Identifiers: ClinVar variation 2935101 (VCV002935101.3), dbSNP rs1395668909, ClinGen allele CA414570553.

ClinVar aggregate classification (germline): Uncertain significance (1 of 4 stars; one submission).

Conditions:
Combined oxidative phosphorylation deficiency. Identifiers: MedGen C4540031, MONDO:0000732.
Charcot-Marie-Tooth Neuropathy X. Identifiers: MedGen CN118851.

Allele frequency attached by ClinVar (database versions not stated): gnomAD exomes below 0.00001.
gnomAD v4.1: 1 of 1,211,814 alleles (0.000083%); highest among the groups gnomAD compares: Admixed American, 0.0022%; no homozygotes.

Submission:

Labcorp Genetics (formerly Invitae), Labcorp
Classification: Uncertain significance for Charcot-Marie-Tooth Neuropathy X; Combined oxidative phosphorylation deficiency. Last evaluated: 2024-01-03. Review status: criteria provided, single submitter. Criteria: Invitae Variant Classification Sherloc (09022015). Collection method: clinical testing. Allele origin: germline.
Comment: This sequence change replaces lysine, which is basic and polar, with arginine, which is basic and polar, at codon 518 of the AIFM1 protein (p.Lys518Arg). This variant is present in population databases (no rsID available, gnomAD 0.004%). This variant has not been reported in the literature in individuals affected with AIFM1-related conditions. Algorithms developed to predict the effect of missense changes on protein structure and function output the following: SIFT: "Not Available"; PolyPhen-2: "Benign"; Align-GVGD: "Not Available". The arginine amino acid residue is found in multiple mammalian species, which suggests that this missense change does not adversely affect protein function. In summary, the available evidence is currently insufficient to determine the role of this variant in disease. Therefore, it has been classified as a Variant of Uncertain Significance.